The following is an entry in ClinVar:

NM_003331.5(TYK2):c.1807G>A (p.Val603Met)

Gene: TYK2 (tyrosine kinase 2; minus strand). Cytogenetic location: 19p13.2.
Variant type: single nucleotide variant.
Coding change: c.1807G>A on transcript NM_003331.5 (MANE Select); coding-DNA position 1807, G replaced by A.
Protein change: p.Val603Met; replaces valine 603 with methionine.
Molecular consequence: missense variant.
Genome position (GRCh38, 1-based): chr19:10,361,922, C>T on the plus strand (G>A on the coding strand, the complement: TYK2 is on the minus strand). VCF-style: chr19-10361922-C-T. GRCh37 (hg19) VCF-style: chr19-10472598-C-T.
Other names: c.1807G>A (LRG_121t1); short protein forms V603M.
Identifiers: ClinVar variation 327946 (VCV000327946.10), dbSNP rs140594440, ClinGen allele CA9193284.

ClinVar aggregate classification (germline): Uncertain significance. Review status: criteria provided, multiple submitters, no conflicts (2 of 4 stars). 4 submissions from 4 submitters: Uncertain significance (4). Last evaluated 2024-09-23.

Conditions:
Immunodeficiency 35 (IMD35). Also called: HIES WITH ATYPICAL MYCOBACTERIOSIS, AUTOSOMAL RECESSIVE; HYPER-IgE SYNDROME WITH ATYPICAL MYCOBACTERIOSIS, AUTOSOMAL RECESSIVE; TYK2 DEFICIENCY; Susceptibility to infection due to TYK2 deficiency. Identifiers: Orphanet 331226, MedGen C1969086, MONDO:0012682, OMIM 611521.

Allele frequency attached by ClinVar (database versions not stated): 1000 Genomes Project 30x 0.00016; gnomAD 0.00017 and 0.00019; gnomAD exomes 0.00019 and 0.00029; 1000 Genomes Project 0.00020; ExAC 0.00028; ESP Exome Variant Server 0.00031; TOPMed 0.00033.

Submissions (4):

Blueprint Genetics
Classification: Uncertain significance. Last evaluated: 2024-09-23. Review status: criteria provided, single submitter. Criteria: ACMG Guidelines, 2015. Collection method: clinical testing. Allele origin: germline.

Labcorp Genetics (formerly Invitae), Labcorp
Classification: Uncertain significance for Immunodeficiency 35. Last evaluated: 2022-11-01. Review status: criteria provided, single submitter. Criteria: Invitae Variant Classification Sherloc (09022015). Collection method: clinical testing. Allele origin: germline.
Comment: This sequence change replaces valine, which is neutral and non-polar, with methionine, which is neutral and non-polar, at codon 603 of the TYK2 protein (p.Val603Met). This variant is present in population databases (rs140594440, gnomAD 0.1%). This variant has not been reported in the literature in individuals affected with TYK2-related conditions. ClinVar contains an entry for this variant (Variation ID: 327946). Advanced modeling of protein sequence and biophysical properties (such as structural, functional, and spatial information, amino acid conservation, physicochemical variation, residue mobility, and thermodynamic stability) has been performed at Invitae for this missense variant, however the output from this modeling did not meet the statistical confidence thresholds required to predict the impact of this variant on TYK2 protein function. In summary, the available evidence is currently insufficient to determine the role of this variant in disease. Therefore, it has been classified as a Variant of Uncertain Significance.

Baylor Genetics
Classification: Uncertain significance for Immunodeficiency 35. Last evaluated: 2018-10-28. Review status: criteria provided, single submitter. Criteria: ACMG Guidelines, 2015. Collection method: clinical testing. Allele origin: paternal. Affected: yes.
Comment: This variant was determined to be of uncertain significance according to ACMG Guidelines, 2015 [PMID:25741868].

Illumina Laboratory Services, Illumina
Classification: Uncertain significance for Immunodeficiency 35. Last evaluated: 2018-01-13. Review status: criteria provided, single submitter. Criteria: ICSL Variant Classification Criteria 13 December 2019. Collection method: clinical testing. Allele origin: germline.